The following is an entry in ClinVar:

NM_001388492.1(HTT):c.7940C>T (p.Pro2647Leu)

Gene: HTT (huntingtin; plus strand). Cytogenetic location: 4p16.3.
Variant type: single nucleotide variant.
Coding change: c.7940C>T on transcript NM_001388492.1 (MANE Select); coding-DNA position 7940, C replaced by T.
Protein change: p.Pro2647Leu; replaces proline 2647 with leucine.
Molecular consequence: missense variant.
Genome position (GRCh38, 1-based): chr4:3,228,706, C>T. VCF-style: chr4-3228706-C-T. GRCh37 (hg19) VCF-style: chr4-3230433-C-T.
Other names: c.7946C>T, p.Pro2649Leu (NM_002111.8); short protein forms P2649L, P2647L.
Identifiers: ClinVar variation 1345246 (VCV001345246.6), dbSNP rs764566369, ClinGen allele CA2825541.
Genomic context (GRCh38, chr4:3,228,706, plus strand): 5'-GCATCACACCCCTGAGGGAGGAGGAATGGGACGAGGAAGAGGAGGAGGAGGCCGACGCCC[C>T]TGCACCTTCGTCACCACCCACGTCTCCAGTCAACTCCAGGTTTTCCAATGGCCTTTTTCT-3'
Protein context (NP_001375421.1, residues 2637-2657): DEEEEEEADA[Pro2647Leu]APSSPPTSPV

ClinVar aggregate classification (germline): Uncertain significance (1 of 4 stars; one submission).

Allele frequency attached by ClinVar (database versions not stated): gnomAD exomes below 0.00001; ExAC 0.00001; gnomAD 0.00001; TOPMed 0.00001.
gnomAD v4.1: 1 of 1,608,796 alleles (0.000062%); highest among the groups gnomAD compares: African/African-American, 0.0013%; no homozygotes.

Submission:

Labcorp Genetics (formerly Invitae), Labcorp
Classification: Uncertain significance. Last evaluated: 2021-04-14. Review status: criteria provided, single submitter. Criteria: Invitae Variant Classification Sherloc (09022015). Collection method: clinical testing. Allele origin: germline.
Comment: This variant has not been reported in the literature in individuals with HTT-related conditions. This variant is present in population databases (rs764566369, ExAC 0.01%). This sequence change replaces proline with leucine at codon 2649 of the HTT protein (p.Pro2649Leu). The proline residue is moderately conserved and there is a moderate physicochemical difference between proline and leucine. In summary, the available evidence is currently insufficient to determine the role of this variant in disease. Therefore, it has been classified as a Variant of Uncertain Significance. Experimental studies and prediction algorithms are not available or were not evaluated, and the functional significance of this variant is currently unknown.